The following is an entry in ClinVar:

ClinVar aggregate classification (germline): Uncertain significance. Review status: criteria provided, multiple submitters, no conflicts (2 of 4 stars). 3 submissions from 3 submitters: Uncertain significance (3). Last evaluated 2023-02-21.

Conditions:
Hereditary spastic paraplegia 6 (SPG6). Also called: SPASTIC PARAPLEGIA 6, AUTOSOMAL DOMINANT. Identifiers: Orphanet 100988, MedGen C1838192, MONDO:0010878, OMIM 600363.

Allele frequency attached by ClinVar (database versions not stated): gnomAD exomes 0.00001 and 0.00002; TOPMed 0.00001; ExAC 0.00002.
gnomAD v4.1: 14 of 1,614,092 alleles (0.00087%); highest among the groups gnomAD compares: Non-Finnish European, 0.0011%; no homozygotes.

Submissions (3):

GeneDx
Classification: Uncertain significance. Last evaluated: 2023-02-21. Review status: criteria provided, single submitter. Criteria: GeneDx Variant Classification Process June 2021. Collection method: clinical testing. Allele origin: germline. Affected: yes.
Comment: In silico analysis supports that this missense variant has a deleterious effect on protein structure/function; Has not been previously published as pathogenic or benign to our knowledge

Labcorp Genetics (formerly Invitae), Labcorp
Classification: Uncertain significance for Hereditary spastic paraplegia 6. Last evaluated: 2022-08-16. Review status: criteria provided, single submitter. Criteria: Invitae Variant Classification Sherloc (09022015). Collection method: clinical testing. Allele origin: germline.
Comment: In summary, the available evidence is currently insufficient to determine the role of this variant in disease. Therefore, it has been classified as a Variant of Uncertain Significance. Algorithms developed to predict the effect of missense changes on protein structure and function (SIFT, PolyPhen-2, Align-GVGD) all suggest that this variant is likely to be tolerated. ClinVar contains an entry for this variant (Variation ID: 660876). This variant has not been reported in the literature in individuals affected with NIPA1-related conditions. This variant is present in population databases (rs779693743, gnomAD 0.004%). This sequence change replaces phenylalanine, which is neutral and non-polar, with leucine, which is neutral and non-polar, at codon 291 of the NIPA1 protein (p.Phe291Leu).

Athena Diagnostics
Classification: Uncertain significance. Last evaluated: 2020-02-19. Review status: criteria provided, single submitter. Criteria: Athena Diagnostics Criteria. Collection method: clinical testing. Allele origin: unknown.

NM_144599.5(NIPA1):c.871T>C (p.Phe291Leu)

Gene: NIPA1 (NIPA magnesium transporter 1; plus strand). Cytogenetic location: 15q11.2.
Variant type: single nucleotide variant.
Coding change: c.871T>C on transcript NM_144599.5 (MANE Select); coding-DNA position 871, T replaced by C.
Protein change: p.Phe291Leu; replaces phenylalanine 291 with leucine.
Molecular consequence: missense variant.
Genome position (GRCh38, 1-based): chr15:22,824,120, T>C. VCF-style: chr15-22824120-T-C. GRCh37 (hg19) VCF-style: chr15-23048948-A-G.
Other names: c.646T>C, p.Phe216Leu (NM_001142275.1); short protein forms F216L, F291L.
Identifiers: ClinVar variation 660876 (VCV000660876.9), dbSNP rs779693743, ClinGen allele CA7425981.